The following is an entry in ClinVar:

ClinVar aggregate classification (germline): Uncertain significance (1 of 4 stars; one submission).

Submission:

Labcorp Genetics (formerly Invitae), Labcorp
Classification: Uncertain significance. Last evaluated: 2024-01-12. Review status: criteria provided, single submitter. Criteria: Invitae Variant Classification Sherloc (09022015). Collection method: clinical testing. Allele origin: germline.
Comment: This sequence change replaces glutamic acid, which is acidic and polar, with glycine, which is neutral and non-polar, at codon 163 of the FH protein (p.Glu163Gly). This variant is not present in population databases (gnomAD no frequency). This variant has not been reported in the literature in individuals affected with FH-related conditions. Advanced modeling of protein sequence and biophysical properties (such as structural, functional, and spatial information, amino acid conservation, physicochemical variation, residue mobility, and thermodynamic stability) performed at Invitae indicates that this missense variant is expected to disrupt FH protein function with a positive predictive value of 95%. In summary, the available evidence is currently insufficient to determine the role of this variant in disease. Therefore, it has been classified as a Variant of Uncertain Significance.

NM_000143.4(FH):c.488A>G (p.Glu163Gly)

Gene: FH (fumarate hydratase; minus strand). Cytogenetic location: 1q43.
Variant type: single nucleotide variant.
Coding change: c.488A>G on transcript NM_000143.4 (MANE Select); coding-DNA position 488, A replaced by G.
Protein change: p.Glu163Gly; replaces glutamic acid 163 with glycine.
Molecular consequence: missense variant.
Genome position (GRCh38, 1-based): chr1:241,512,034, T>C on the plus strand (A>G on the coding strand, the complement: FH is on the minus strand). VCF-style: chr1-241512034-T-C. GRCh37 (hg19) VCF-style: chr1-241675334-T-C.
Other names: short protein forms E163G.
Identifiers: ClinVar variation 2858513 (VCV002858513.3), dbSNP rs2527332588, ClinGen allele CA345439992.